The following is an entry in ClinVar:

ClinVar aggregate classification (germline): Uncertain significance (1 of 4 stars; one submission).

Submission:

Labcorp Genetics (formerly Invitae), Labcorp
Classification: Uncertain significance. Last evaluated: 2022-07-18. Review status: criteria provided, single submitter. Criteria: Invitae Variant Classification Sherloc (09022015). Collection method: clinical testing. Allele origin: germline.
Comment: In summary, the available evidence is currently insufficient to determine the role of this variant in disease. Therefore, it has been classified as a Variant of Uncertain Significance. Advanced modeling of protein sequence and biophysical properties (such as structural, functional, and spatial information, amino acid conservation, physicochemical variation, residue mobility, and thermodynamic stability) performed at Invitae indicates that this missense variant is not expected to disrupt DCHS1 protein function. This variant has not been reported in the literature in individuals affected with DCHS1-related conditions. This variant is not present in population databases (gnomAD no frequency). This sequence change replaces tyrosine, which is neutral and polar, with cysteine, which is neutral and slightly polar, at codon 2809 of the DCHS1 protein (p.Tyr2809Cys).

NM_003737.4(DCHS1):c.8426A>G (p.Tyr2809Cys)

Gene: DCHS1 (dachsous cadherin-related 1; minus strand). Cytogenetic location: 11p15.4.
Variant type: single nucleotide variant.
Coding change: c.8426A>G on transcript NM_003737.4 (MANE Select); coding-DNA position 8426, A replaced by G.
Protein change: p.Tyr2809Cys; replaces tyrosine 2809 with cysteine.
Molecular consequence: missense variant.
Genome position (GRCh38, 1-based): chr11:6,623,250, T>C on the plus strand (A>G on the coding strand, the complement: DCHS1 is on the minus strand). VCF-style: chr11-6623250-T-C. GRCh37 (hg19) VCF-style: chr11-6644481-T-C.
Other names: short protein forms Y2809C.
Identifiers: ClinVar variation 2012831 (VCV002012831.4), dbSNP rs2493810917, ClinGen allele CA379481053.